The following is an entry in ClinVar:

ClinVar aggregate classification (germline): Uncertain significance (1 of 4 stars; one submission).

Submission:

Labcorp Genetics (formerly Invitae), Labcorp
Classification: Uncertain significance. Last evaluated: 2022-09-01. Review status: criteria provided, single submitter. Criteria: Invitae Variant Classification Sherloc (09022015). Collection method: clinical testing. Allele origin: germline.
Comment: In summary, the available evidence is currently insufficient to determine the role of this variant in disease. Therefore, it has been classified as a Variant of Uncertain Significance. Algorithms developed to predict the effect of sequence changes on RNA splicing suggest that this variant may disrupt the consensus splice site. Experimental studies and prediction algorithms are not available or were not evaluated, and the functional significance of this variant is currently unknown. ClinVar contains an entry for this variant (Variation ID: 1348539). This variant has been observed in individual(s) with Usher syndrome (Invitae). This variant is not present in population databases (gnomAD no frequency). This variant, c.1984_2031dup, results in the insertion of 16 amino acid(s) of the USH2A protein (p.Cys662_Gln677dup), but otherwise preserves the integrity of the reading frame.

NM_206933.4(USH2A):c.1984_2031dup (p.Cys662_Gln677dup)

Gene: USH2A (usherin; minus strand). Cytogenetic location: 1q41.
Variant type: Duplication.
Coding change: c.1984_2031dup on transcript NM_206933.4 (MANE Select); coding-DNA positions 1984 to 2031, 48 bases duplicated.
Protein change: p.Cys662_Gln677dup.
Molecular consequence: inframe insertion.
Genome position (GRCh38, 1-based): chr1:216,251,039-216,251,086, 48 bases duplicated; duplicating any 48 consecutive bases within chr1:216,251,039-216,251,089 gives the same sequence; the c. name uses the placement nearest the transcript's 3' end. GRCh37 (hg19): chr1:216,424,384-216,424,431.
Other names: c.1984_2031dup, p.Cys662_Gln677dup (NM_007123.6).
Identifiers: ClinVar variation 1348539 (VCV001348539.7), dbSNP rs2102551934, ClinGen allele CA2573132760.
Genomic context (GRCh38, chr1:216,251,038, plus strand): 5'-TATTGCAGTTACAGGGACTGCAGCCATCAGGATCCAACTCTTGTAGATTGTAGAATCCAT[T>TCTGGCACTGATTGCACTGCCTGCCAGACACGTGTCTCTTACAATTACA]CTGGCACTGATTGCACTGCCTGCCAGACACGTGTCTCTTACAATTACACTGTCCTCCAAT-3'